The following is an entry in ClinVar:

NM_001110556.2(FLNA):c.3658A>G (p.Thr1220Ala)

Gene: FLNA (filamin A; minus strand). Cytogenetic location: Xq28.
Variant type: single nucleotide variant.
Coding change: c.3658A>G on transcript NM_001110556.2 (MANE Select); coding-DNA position 3658, A replaced by G.
Protein change: p.Thr1220Ala; replaces threonine 1220 with alanine.
Molecular consequence: missense variant.
Genome position (GRCh38, 1-based): chrX:154,360,137, T>C on the plus strand (A>G on the coding strand, the complement: FLNA is on the minus strand). VCF-style: chrX-154360137-T-C. GRCh37 (hg19) VCF-style: chrX-153588505-T-C.
Other names: c.3658A>G, p.Thr1220Ala (NM_001456.4); short protein forms T1220A.
Identifiers: ClinVar variation 3753994 (VCV003753994.2).

ClinVar aggregate classification (germline): Uncertain significance (1 of 4 stars; one submission).

Conditions:
Melnick-Needles syndrome (MNS). Also called: MELNICK-NEEDLES OSTEODYSPLASTY; OSTEODYSPLASTY OF MELNICK AND NEEDLES; Melnick-Needles Syndrome (FLNA-MNS). Identifiers: Orphanet 2484, MedGen C0025237, MONDO:0010650, OMIM 309350.
Frontometaphyseal dysplasia (FMD1). Identifiers: Orphanet 1826, MedGen C0265293, MONDO:0015942.
Heterotopia, periventricular, X-linked dominant (PVNH1). Also called: PERIVENTRICULAR NODULAR HETEROTOPIA 1; X-linked periventricular heterotopia; PERIVENTRICULAR NODULAR HETEROTOPIA 4; HETEROTOPIA, PERIVENTRICULAR, 1. Identifiers: Orphanet 2149, Orphanet 82004, MedGen C1848213, MONDO:0010233, OMIM 300049.
Oto-palato-digital syndrome, type II (OPD2). Also called: FACIOPALATOOSSEOUS SYNDROME; OPD II SYNDROME; Otopalatodigital Syndrome, Type II; Otopalatodigital Syndrome Type 2 (FLNA-OPD2). Identifiers: Orphanet 669, Orphanet 90652, MedGen C1844696, MONDO:0010571, OMIM 304120.

Submission:

Labcorp Genetics (formerly Invitae), Labcorp
Classification: Uncertain significance for Oto-palato-digital syndrome, type II; Heterotopia, periventricular, X-linked dominant; Frontometaphyseal dysplasia; Melnick-Needles syndrome. Last evaluated: 2024-08-21. Review status: criteria provided, single submitter. Criteria: Invitae Variant Classification Sherloc (09022015). Collection method: clinical testing. Allele origin: germline.
Comment: This sequence change replaces threonine, which is neutral and polar, with alanine, which is neutral and non-polar, at codon 1220 of the FLNA protein (p.Thr1220Ala). This variant is not present in population databases (gnomAD no frequency). This variant has not been reported in the literature in individuals affected with FLNA-related conditions. Invitae Evidence Modeling of protein sequence and biophysical properties (such as structural, functional, and spatial information, amino acid conservation, physicochemical variation, residue mobility, and thermodynamic stability) indicates that this missense variant is not expected to disrupt FLNA protein function with a negative predictive value of 95%. In summary, the available evidence is currently insufficient to determine the role of this variant in disease. Therefore, it has been classified as a Variant of Uncertain Significance.